The following is an entry in ClinVar:

ClinVar aggregate classification (germline): Uncertain significance (1 of 4 stars; one submission).

Conditions:
Hereditary pancreatitis (PCTT). Also called: Hereditary chronic pancreatitis; PRSS1-Related Hereditary Pancreatitis. Identifiers: Orphanet 676, MedGen C0238339, MONDO:0008185, OMIM 167800.

Submission:

Ambry Genetics
Classification: Uncertain significance for Hereditary pancreatitis. Last evaluated: 2025-08-31. Review status: criteria provided, single submitter. Criteria: Ambry Variant Classification Scheme 2023. Collection method: clinical testing. Allele origin: germline.
Comment: The p.I289F variant (also known as c.865A>T), located in coding exon 8 of the CPA1 gene, results from an A to T substitution at nucleotide position 865. The isoleucine at codon 289 is replaced by phenylalanine, an amino acid with highly similar properties. This amino acid position is conserved. In addition, this alteration is predicted to be tolerated by in silico analysis. Since supporting evidence is limited at this time, the clinical significance of this alteration remains unclear.

NM_001868.4(CPA1):c.865A>T (p.Ile289Phe)

Gene: CPA1 (carboxypeptidase A1; plus strand). Cytogenetic location: 7q32.2.
Variant type: single nucleotide variant.
Coding change: c.865A>T on transcript NM_001868.4 (MANE Select); coding-DNA position 865, A replaced by T.
Protein change: p.Ile289Phe; replaces isoleucine 289 with phenylalanine.
Molecular consequence: missense variant.
Genome position (GRCh38, 1-based): chr7:130,385,223, A>T. VCF-style: chr7-130385223-A-T. GRCh37 (hg19) VCF-style: chr7-130025064-A-T.
Other names: short protein forms I289F.
Identifiers: ClinVar variation 2496925 (VCV002496925.3), dbSNP rs782170635, ClinGen allele CA369283511.
Genomic context (GRCh38, chr7:130,385,223, plus strand): 5'-AACCCCTGCTCGGAGACTTACCACGGCAAGTTTGCCAATTCCGAAGTGGAGGTCAAGTCC[A>T]TTGTAGACTTTGTGAAGGACCATGGGAACATCAAGGCCTTCATCTCCATCCACAGCTACT-3'
Protein context (NP_001859.1, residues 279-299): FANSEVEVKS[Ile289Phe]VDFVKDHGNI